The following is an entry in ClinVar:

NM_001002294.3(FMO3):c.435_466del (p.Cys146fs)

Genes: FMO3 (flavin containing dimethylaniline monoxygenase 3; plus strand), LOC126805916 (BRD4-independent group 4 enhancer GRCh37_chr1:171076844-171078043; plus strand). Cytogenetic location: 1q24.3.
Variant type: Deletion.
Coding change: c.435_466del on transcript NM_001002294.3 (MANE Select); coding-DNA positions 435 to 466, 32 bases deleted.
Protein change: p.Cys146fs; shifts the reading frame from cysteine 146.
Molecular consequence: frameshift variant.
Genome position (GRCh38, 1-based): chr1:171,107,788-171,107,819, 32 bases deleted. GRCh37 (hg19): chr1:171,076,929-171,076,960.
Other names: c.375_406del, p.Cys126fs (NM_001319173.2); c.246_277del, p.Cys83fs (NM_001319174.2); c.435_466del, p.Cys146fs (NM_006894.6); short protein forms C126fs, C146fs, C83fs.
Identifiers: ClinVar variation 5005265 (VCV005005265.2).

ClinVar aggregate classification (germline): Likely pathogenic (1 of 4 stars; one submission).

Conditions:
Trimethylaminuria (TMAU). Also called: FISH-ODOR SYNDROME; Fish malodor syndrome; Stale fish syndrome; TMAuria; Primary Trimethylaminuria. Identifiers: MedGen C0342739, MONDO:0011182, OMIM 602079, HP:0003614. Disease mechanism: loss of function.

Submission:

Juno Genomics, Hangzhou Juno Genomics, Inc
Classification: Likely pathogenic for Trimethylaminuria. Review status: criteria provided, single submitter. Criteria: ACMG Guidelines, 2015. Collection method: clinical testing. Allele origin: germline.
Comment: Null variant in a gene where loss of function (LOF) is a known mechanism of disease.;Absent from controls (or at extremely low frequency if recessive) in Genome Aggregation Database.